The following is an entry in ClinVar:

NM_002693.3(POLG):c.534C>T (p.Tyr178=)

Genes: POLG (DNA polymerase gamma, catalytic subunit; minus strand), POLGARF (POLG alternative reading frame; minus strand). Cytogenetic location: 15q26.1.
Variant type: single nucleotide variant.
Coding change: c.534C>T on transcript NM_002693.3 (MANE Select); coding-DNA position 534, C replaced by T.
Protein change: p.Tyr178=; no amino-acid change (tyrosine 178 retained).
Molecular consequence: synonymous variant.
Genome position (GRCh38, 1-based): chr15:89,333,221, G>A on the plus strand (C>T on the coding strand, the complement: POLG is on the minus strand). VCF-style: chr15-89333221-G-A. GRCh37 (hg19) VCF-style: chr15-89876452-G-A.
Other names: p.Tyr178=; c.534C>T, p.Tyr178= (NM_001126131.2).
Identifiers: ClinVar variation 759987 (VCV000759987.9), dbSNP rs766962517, ClinGen allele CA7725100.

ClinVar aggregate classification (germline): Likely benign. Review status: criteria provided, multiple submitters, no conflicts (2 of 4 stars). 2 submissions from 2 submitters: Likely benign (2). Last evaluated 2025-12-04.

Conditions:
Progressive sclerosing poliodystrophy (MTDPS4A). Also called: NEURONAL DEGENERATION OF CHILDHOOD WITH LIVER DISEASE, PROGRESSIVE; Mitochondrial DNA Depletion Syndrome 4A; Alpers-Huttenlocher Syndrome (AHS); ALPERS PROGRESSIVE INFANTILE POLIODYSTROPHY; Alpers Syndrome; ALPERS DIFFUSE DEGENERATION OF CEREBRAL GRAY MATTER WITH HEPATIC CIRRHOSIS. Identifiers: Orphanet 726, MedGen C0205710, MONDO:0008758, OMIM 203700.

Allele frequency attached by ClinVar (database versions not stated): gnomAD exomes below 0.00001; TOPMed below 0.00001; ExAC 0.00003.
gnomAD v4.1: 5 of 1,579,560 alleles (0.00032%); highest among the groups gnomAD compares: Admixed American, 0.0035%; no homozygotes.

Submissions (2):

Mayo Clinic Laboratories, Mayo Clinic
Classification: Likely benign. Last evaluated: 2025-12-04. Review status: criteria provided, single submitter. Criteria: ACMG Guidelines, 2015. Collection method: clinical testing. Allele origin: germline. Observed: 1 variant allele.
Comment: BP4, BP7

Labcorp Genetics (formerly Invitae), Labcorp
Classification: Likely benign for Progressive sclerosing poliodystrophy. Last evaluated: 2025-06-26. Review status: criteria provided, single submitter. Criteria: Invitae Variant Classification Sherloc (09022015). Collection method: clinical testing. Allele origin: germline.